The following is an entry in ClinVar:

ClinVar aggregate classification (germline): Pathogenic (1 of 4 stars; one submission).

Submission:

Labcorp Genetics (formerly Invitae), Labcorp
Classification: Pathogenic. Last evaluated: 2024-03-04. Review status: criteria provided, single submitter. Criteria: Invitae Variant Classification Sherloc (09022015). Collection method: clinical testing. Allele origin: germline.
Comment: This sequence change creates a premature translational stop signal (Splice site) in the FECH gene. It is expected to result in an absent or disrupted protein product. Loss-of-function variants in FECH are known to be pathogenic (PMID: 20105171, 23016163, 23364466). This variant is not present in population databases (gnomAD no frequency). This variant has not been reported in the literature in individuals affected with FECH-related conditions. This variant is also known as c.1077+1del . ClinVar contains an entry for this variant (Variation ID: 2011661). Algorithms developed to predict the effect of sequence changes on RNA splicing suggest that this variant may disrupt the consensus splice site. For these reasons, this variant has been classified as Pathogenic.

Literature cited by the submitters: PubMed 20105171; PubMed 23016163; PubMed 23364466.

NM_000140.5(FECH):c.1077+1del

Gene: FECH (ferrochelatase; minus strand). Cytogenetic location: 18q21.31.
Variant type: Deletion.
Coding change: c.1077+1del on transcript NM_000140.5 (MANE Select); the canonical splice donor site of the intron after coding-DNA position 1077, one base deleted (G; older notation c.1077+1delG).
Molecular consequence: splice donor variant.
Genome position (GRCh38, 1-based): chr18:57,554,259, C deleted on the plus strand (G on the coding strand, the reverse complement: FECH is on the minus strand); the first of 2 consecutive C bases (chr18:57,554,259-57,554,260); deleting either gives the same sequence. VCF-style (leftmost placement, unchanged base first): chr18-57554258-AC-A. GRCh37 (hg19) VCF-style: chr18-55221490-AC-A.
Other names: c.1095+1del (NM_001012515.4); c.861+1del (NM_001371095.1); c.978+1del (NM_001371094.1); c.1077+1del (NM_001374778.1).
Identifiers: ClinVar variation 2011661 (VCV002011661.4), dbSNP rs2511517143, ClinGen allele CA2580095938.